The following is an entry in ClinVar:

ClinVar aggregate classification (germline): Uncertain significance (1 of 4 stars; one submission).

gnomAD v4.1: 3 of 1,614,074 alleles (0.00019%); highest among the groups gnomAD compares: Non-Finnish European, 0.00025%; no homozygotes.

Submission:

Labcorp Genetics (formerly Invitae), Labcorp
Classification: Uncertain significance. Last evaluated: 2025-08-29. Review status: criteria provided, single submitter. Criteria: Invitae Variant Classification Sherloc (09022015). Collection method: clinical testing. Allele origin: germline.
Comment: This sequence change replaces proline, which is neutral and non-polar, with serine, which is neutral and polar, at codon 1806 of the LTBP2 protein (p.Pro1806Ser). This variant is not present in population databases (gnomAD no frequency). This variant has not been reported in the literature in individuals affected with LTBP2-related conditions. An algorithm developed to predict the effect of missense changes on protein structure and function (PolyPhen-2) suggests that this variant is likely to be disruptive. In summary, the available evidence is currently insufficient to determine the role of this variant in disease. Therefore, it has been classified as a Variant of Uncertain Significance.

NM_000428.3(LTBP2):c.5416C>T (p.Pro1806Ser)

Gene: LTBP2 (latent transforming growth factor beta binding protein 2; minus strand). Cytogenetic location: 14q24.3.
Variant type: single nucleotide variant.
Coding change: c.5416C>T on transcript NM_000428.3 (MANE Select); coding-DNA position 5416, C replaced by T.
Protein change: p.Pro1806Ser; replaces proline 1806 with serine.
Molecular consequence: missense variant.
Genome position (GRCh38, 1-based): chr14:74,500,934, G>A on the plus strand (C>T on the coding strand, the complement: LTBP2 is on the minus strand). VCF-style: chr14-74500934-G-A. GRCh37 (hg19) VCF-style: chr14-74967637-G-A.
Other names: short protein forms P1806S.
Identifiers: ClinVar variation 4809691 (VCV004809691.1).